The following is an entry in ClinVar:

ClinVar aggregate classification (germline): Benign (1 of 4 stars; one submission).

Conditions:
Oligodontia-cancer predisposition syndrome. Also called: TOOTH AGENESIS-COLORECTAL CANCER SYNDROME. Identifiers: Orphanet 300576, MedGen C1837750, MONDO:0012075, OMIM 608615. Disease mechanism: loss of function.

Submission:

Myriad Genetics, Inc.
Classification: Benign for Oligodontia-cancer predisposition syndrome. Last evaluated: 2024-06-27. Review status: criteria provided, single submitter. Criteria: Myriad Autosomal Dominant, Autosomal Recessive and X-Linked Classification Criteria (2023). Collection method: clinical testing. Allele origin: unknown.
Comment: This variant is considered benign. This variant is a silent/synonymous amino acid change and it is not expected to impact splicing.

NM_004655.4(AXIN2):c.735A>G (p.Pro245=)

Gene: AXIN2 (axin 2; minus strand). Cytogenetic location: 17q24.1.
Variant type: single nucleotide variant.
Coding change: c.735A>G on transcript NM_004655.4 (MANE Select); coding-DNA position 735, A replaced by G.
Protein change: p.Pro245=; no amino-acid change (proline 245 retained).
Molecular consequence: synonymous variant.
Genome position (GRCh38, 1-based): chr17:65,557,886, T>C on the plus strand (A>G on the coding strand, the complement: AXIN2 is on the minus strand). VCF-style: chr17-65557886-T-C. GRCh37 (hg19) VCF-style: chr17-63554004-T-C.
Other names: c.735A>G, p.Pro245= (NM_001363813.1).
Identifiers: ClinVar variation 3254270 (VCV003254270.1), dbSNP rs2544247738.